The following is an entry in ClinVar:

NM_000128.4(F11):c.122C>T (p.Pro41Leu)

Gene: F11 (coagulation factor XI; plus strand). Cytogenetic location: 4q35.2.
Variant type: single nucleotide variant.
Coding change: c.122C>T on transcript NM_000128.4 (MANE Select); coding-DNA position 122, C replaced by T.
Protein change: p.Pro41Leu; replaces proline 41 with leucine.
Molecular consequence: missense variant.
Genome position (GRCh38, 1-based): chr4:186,271,675, C>T. VCF-style: chr4-186271675-C-T. GRCh37 (hg19) VCF-style: chr4-187192829-C-T.
Other names: c.122C>T, p.Pro41Leu (NM_001440608.1, NM_001354804.2, NM_001440590.1 and 5 more transcripts); short protein forms P41L.
Identifiers: ClinVar variation 4813766 (VCV004813766.1).

ClinVar aggregate classification (germline): Likely pathogenic (1 of 4 stars; one submission).

Conditions:
Hereditary factor XI deficiency disease. Also called: PLASMA THROMBOPLASTIN ANTECEDENT DEFICIENCY; PTA DEFICIENCY; ROSENTHAL SYNDROME; Congenital factor XI deficiency. Identifiers: Orphanet 329, MedGen C0015523, MeSH D005173, MONDO:0012897, OMIM 612416.

gnomAD v4.1: 1 of 1,614,124 alleles (0.000062%); highest among the groups gnomAD compares: Admixed American, 0.0017%; no homozygotes.

Submission:

Variantyx, Inc.
Classification: Likely pathogenic for Hereditary factor XI deficiency disease. Last evaluated: 2025-08-18. Review status: criteria provided, single submitter. Criteria: Variantyx Assertion Criteria 2022. Collection method: clinical testing. Allele origin: germline. Inheritance: Semidominant inheritance.
Comment: This is a nonsynonymous variant in the F11 gene (OMIM: 264900). Pathogenic variants in this gene have been associated with autosomal semidominant factor XI deficiency. This variant has been reported in at least 2 unrelated affected individuals (PMID: 16079124, 38387429) (PS4_Moderate). It lies within a known hotspot for pathogenic variants or a well-established critical functional domain of the F11 protein (PMID: 19652879) (PM1), and multiple computational algorithms predict a deleterious effect for this variant (REVEL score: 0.656) (PP3). This variant has a 0.0022% maximum allele frequency in non-founder control populations (PM2). Based on the current evidence, this variant is classified as likely pathogenic for autosomal semidominant factor XI deficiency.

Literature cited by the submitters: PubMed 16079124; PubMed 38387429; PubMed 19652879.